The following is an entry in ClinVar:

NM_007194.4(CHEK2):c.592+50A>T

Gene: CHEK2 (checkpoint kinase 2; minus strand). Cytogenetic location: 22q12.1.
Variant type: single nucleotide variant.
Coding change: c.592+50A>T on transcript NM_007194.4 (MANE Select); 50 bases into the intron after coding-DNA position 592, A replaced by T.
Molecular consequence: intron variant.
Genome position (GRCh38, 1-based): chr22:28,724,927, T>A on the plus strand (A>T on the coding strand, the complement: CHEK2 is on the minus strand). VCF-style: chr22-28724927-T-A. GRCh37 (hg19) VCF-style: chr22-29120915-T-A.
Other names: c.-72+50A>T (NM_001437942.1); c.445-4A>T (NM_001349956.3, NM_001349956.1, NM_001349956.2); c.592+50A>T (NM_145862.3); c.-186+50A>T (NM_001257387.3); c.685+50A>T (NM_001438295.1, NM_001438293.1); c.721+50A>T (NM_001438294.1, NM_001005735.3).
Identifiers: ClinVar variation 803654 (VCV000803654.40), dbSNP rs17881298, ClinGen allele CA10167966.

ClinVar aggregate classification (germline): Benign/Likely benign. Review status: criteria provided, multiple submitters, no conflicts (2 of 4 stars). 7 submissions from 7 submitters: Benign (1); Likely benign (4). 2 of the submissions do not count toward it. Last evaluated 2026-08-01.

Conditions:
CHEK2-related disorder.
Familial cancer of breast. Also called: Hereditary breast cancer; BREAST CANCER, FAMILIAL; hereditary breast carcinoma. Identifiers: Orphanet 227535, MedGen C0346153, MONDO:0016419, OMIM 114480. Disease mechanism: loss of function.

Allele frequency attached by ClinVar (database versions not stated): 1000 Genomes Project 30x 0.00031; gnomAD 0.00265 and 0.00270; TOPMed 0.00269; gnomAD exomes 0.00272; ESP Exome Variant Server 0.00285; ExAC 0.00296.
gnomAD v4.1: 5,869 of 1,588,586 alleles (0.37%); highest among the groups gnomAD compares: Non-Finnish European, 0.42%; 18 homozygotes.

Submissions (7):

CeGaT Center for Human Genetics Tuebingen
Classification: Benign. Last evaluated: 2026-08-01. Review status: criteria provided, single submitter. Criteria: CeGaT Center For Human Genetics Tuebingen Variant Classification Criteria Version 2. Collection method: clinical testing. Allele origin: germline. Affected: yes. Observed: 37 variant alleles.
Comment: CHEK2: BP4, BS1, BS2

Dasa
Classification: Likely benign. Last evaluated: 2025-11-03. Review status: criteria provided, single submitter. Criteria: DASA Assertion Criteria. Collection method: clinical testing. Allele origin: germline.
Comment: NM_001349956.2(CHEK2):c.445-4A>T is a splice-region variant predicted to affect normal RNA splicing. Multiple computational predictions suggest no deleterious effect on the gene or gene product. The variant is present at low frequency in population datasets. Based on the available data, this variant is classified as likely benign.

Center for Genomic Medicine, Rigshospitalet, Copenhagen University Hospital
Classification: Likely benign. Last evaluated: 2025-03-04. Review status: criteria provided, single submitter. Criteria: ACMG Guidelines, 2015. Collection method: clinical testing. Allele origin: germline.

Blueprint Genetics
Classification: Likely benign. Last evaluated: 2024-11-28. Review status: criteria provided, single submitter. Criteria: ACMG Guidelines, 2015. Collection method: clinical testing. Allele origin: germline.

Mendelics
Classification: Likely benign for Familial cancer of breast. Last evaluated: 2019-05-28. Review status: criteria provided, single submitter. Criteria: Mendelics Assertion Criteria 2017. Collection method: clinical testing. Allele origin: unknown.

PreventionGenetics, part of Exact Sciences
Classification: Benign for CHEK2-related condition. Last evaluated: 2019-07-19. Review status: no assertion criteria provided. Collection method: clinical testing. Allele origin: germline. Not counted in ClinVar's aggregate classification.
Comment: This variant is classified as benign based on ACMG/AMP sequence variant interpretation guidelines (Richards et al. 2015 PMID: 25741868, with internal and published modifications).

Department of Pathology and Laboratory Medicine, Sinai Health System
Classification: Likely benign. Review status: no assertion criteria provided. Collection method: clinical testing. Allele origin: unknown. Affected: yes. Study: The Canadian Open Genetics Repository (COGR). Not counted in ClinVar's aggregate classification.
Comment: The CHEK2 c.445-4A>T variant was identified in 1 of 290 proband chromosomes (frequency: 0.003) from individuals with BRCA1/2-negative breast cancer and was identified in 2 of 1190 control chromosomes from healthy individuals (frequency: 0.002); the variant was not found in 680 chromosomes from non-Hodgkin lymphoma patients (Rashid_2013_PMID:23806170; Havranek_2015_PMID:26506619). The variant was identified in dbSNP (ID: rs17881298) and ClinVar (classified as likely benign by Mendelics for familial cancer of breast). The variant was not identified in Cosmic. The variant was identified in control databases in 704 of 266656 chromosomes (2 homozygous) at a frequency of 0.00264 increasing the likelihood this could be a low frequency benign variant (Genome Aggregation Database March 6, 2019, v2.1.1). The variant was observed in the following populations: Ashkenazi Jewish in 70 of 9830 chromosomes (freq: 0.007121), Other in 25 of 6658 chromosomes (freq: 0.003755), European (non-Finnish) in 387 of 117274 chromosomes (freq: 0.0033), Latino in 102 of 35044 chromosomes (freq: 0.002911), European (Finnish) in 55 of 25078 chromosomes (freq: 0.002193), South Asian in 54 of 30500 chromosomes (freq: 0.00177) and African in 11 of 23112 chromosomes (freq: 0.000476), but was not observed in the East Asian population. The c.445-4A>T variant is located in the 3' splice region but does not affect the invariant -1 and -2 positions. However, positions -3 and -5 to -12 are part of the splicing consensus sequence and variants involving these positions sometimes affect splicing. However, in silico or computational prediction software programs (SpliceSiteFinder, MaxEntScan, NNSPLICE, GeneSplicer) do not predict a difference in splicing. In summary, based on the above information the clinical significance of this variant cannot be determined with certainty at this time although we would lean towards a more benign role for this variant. This variant is classified as likely benign.